The following is an entry in ClinVar:

NM_001385641.1(SAMD11):c.1687C>G (p.Leu563Val)

Gene: SAMD11 (sterile alpha motif domain containing 11; plus strand). Cytogenetic location: 1p36.33.
Variant type: single nucleotide variant.
Coding change: c.1687C>G on transcript NM_001385641.1 (MANE Select); coding-DNA position 1687, C replaced by G.
Protein change: p.Leu563Val; replaces leucine 563 with valine.
Molecular consequence: missense variant.
Genome position (GRCh38, 1-based): chr1:942,692, C>G. VCF-style: chr1-942692-C-G. GRCh37 (hg19) VCF-style: chr1-878072-C-G.
Other names: c.1690C>G, p.Leu564Val (NM_001385640.1); c.1198C>G, p.Leu400Val (NM_152486.4); short protein forms L400V, L563V, L564V.
Identifiers: ClinVar variation 1038382 (VCV001038382.8), dbSNP rs1641861059, ClinGen allele CA337809241.

ClinVar aggregate classification (germline): Uncertain significance (1 of 4 stars; one submission).

Submission:

Labcorp Genetics (formerly Invitae), Labcorp
Classification: Uncertain significance. Last evaluated: 2022-03-10. Review status: criteria provided, single submitter. Criteria: Invitae Variant Classification Sherloc (09022015). Collection method: clinical testing. Allele origin: germline.
Comment: ClinVar contains an entry for this variant (Variation ID: 1038382). Algorithms developed to predict the effect of missense changes on protein structure and function (SIFT, PolyPhen-2, Align-GVGD) all suggest that this variant is likely to be disruptive. In summary, the available evidence is currently insufficient to determine the role of this variant in disease. Therefore, it has been classified as a Variant of Uncertain Significance. This variant has not been reported in the literature in individuals affected with SAMD11-related conditions. This variant is not present in population databases (gnomAD no frequency). This sequence change replaces leucine, which is neutral and non-polar, with valine, which is neutral and non-polar, at codon 400 of the SAMD11 protein (p.Leu400Val).